The following is an entry in ClinVar:

NM_182931.3(KMT2E):c.2275C>T (p.Arg759Cys)

Gene: KMT2E (lysine methyltransferase 2E (inactive); plus strand). Cytogenetic location: 7q22.3.
Variant type: single nucleotide variant.
Coding change: c.2275C>T on transcript NM_182931.3 (MANE Select); coding-DNA position 2275, C replaced by T.
Protein change: p.Arg759Cys; replaces arginine 759 with cysteine.
Molecular consequence: missense variant.
Genome position (GRCh38, 1-based): chr7:105,105,517, C>T. VCF-style: chr7-105105517-C-T. GRCh37 (hg19) VCF-style: chr7-104745964-C-T.
Other names: c.2275C>T, p.Arg759Cys (NM_001410908.1, NM_018682.4); short protein forms R759C.
Identifiers: ClinVar variation 2884251 (VCV002884251.3), dbSNP rs781165657, ClinGen allele CA4424185.

ClinVar aggregate classification (germline): Uncertain significance (1 of 4 stars; one submission).

Allele frequency attached by ClinVar (database versions not stated): ExAC 0.00001; gnomAD exomes 0.00001; TOPMed 0.00002; gnomAD 0.00003.
gnomAD v4.1: 25 of 1,613,628 alleles (0.0015%); highest among the groups gnomAD compares: Admixed American, 0.015%; no homozygotes.

Submission:

Labcorp Genetics (formerly Invitae), Labcorp
Classification: Uncertain significance. Last evaluated: 2023-12-11. Review status: criteria provided, single submitter. Criteria: Invitae Variant Classification Sherloc (09022015). Collection method: clinical testing. Allele origin: germline.
Comment: This sequence change replaces arginine, which is basic and polar, with cysteine, which is neutral and slightly polar, at codon 759 of the KMT2E protein (p.Arg759Cys). This variant is present in population databases (rs781165657, gnomAD 0.03%). This missense change has been observed in individual(s) with a neurodevelopmental disorder (PMID: 33004838). Advanced modeling of protein sequence and biophysical properties (such as structural, functional, and spatial information, amino acid conservation, physicochemical variation, residue mobility, and thermodynamic stability) performed at Invitae indicates that this missense variant is expected to disrupt KMT2E protein function with a positive predictive value of 80%. In summary, the available evidence is currently insufficient to determine the role of this variant in disease. Therefore, it has been classified as a Variant of Uncertain Significance.

Literature cited by the submitters: PubMed 33004838.